The following is an entry in ClinVar:

NM_001848.3(COL6A1):c.958-10C>T

Gene: COL6A1 (collagen type VI alpha 1 chain; plus strand). Cytogenetic location: 21q22.3.
Variant type: single nucleotide variant.
Coding change: c.958-10C>T on transcript NM_001848.3 (MANE Select); 10 bases into the intron before coding-DNA position 958, C replaced by T.
Molecular consequence: intron variant.
Genome position (GRCh38, 1-based): chr21:45,990,368, C>T. VCF-style: chr21-45990368-C-T. GRCh37 (hg19) VCF-style: chr21-47410282-C-T.
Identifiers: ClinVar variation 340311 (VCV000340311.17), dbSNP rs200508160, ClinGen allele CA10069940.
Genomic context (GRCh38, chr21:45,990,368, plus strand): 5'-GGGAGTTCTGCCCCCACGGCAGCATGTCTGACCTGCATCTGACTCCTGCCTTCGTTTTCC[C>T]GCCTCACAGGGAGAGAAGGGCAAGCGTGGCATCGACGGGGTGGACGGCGTGAAGGTGACT-3'

ClinVar aggregate classification (germline): Conflicting classifications of pathogenicity. Review status: criteria provided, conflicting classifications (1 of 4 stars). 3 submissions from 3 submitters: Uncertain significance (1); Benign (1); Likely benign (1). Last evaluated 2026-01-05.

Conditions:
Collagen 6-related myopathy. Identifiers: MedGen CN117976, MONDO:0100225.
Bethlem myopathy 1A. Also called: MYOPATHY, BENIGN CONGENITAL, WITH CONTRACTURES; Bethlem myopathy 1; Bethlem Muscular Dystrophy. Identifiers: Orphanet 610, MedGen CN029274, MONDO:0024530, OMIM 158810.

Allele frequency attached by ClinVar (database versions not stated): ExAC 0.00006; gnomAD exomes 0.00006; 1000 Genomes Project 30x 0.00016; gnomAD 0.00019 and 0.00021; 1000 Genomes Project 0.00020; TOPMed 0.00028.
gnomAD v4.1: 64 of 1,442,128 alleles (0.0044%); highest among the groups gnomAD compares: Admixed American, 0.051%; no homozygotes.

Submissions (3):

Labcorp Genetics (formerly Invitae), Labcorp
Classification: Likely benign for Bethlem myopathy 1A. Last evaluated: 2026-01-05. Review status: criteria provided, single submitter. Criteria: Invitae Variant Classification Sherloc (09022015). Collection method: clinical testing. Allele origin: germline.

Eurofins Ntd Llc (ga)
Classification: Uncertain significance. Last evaluated: 2018-04-20. Review status: criteria provided, single submitter. Criteria: EGL ClinVar v180209 classification definitions. Collection method: clinical testing. Allele origin: germline. Observed: 2 variant alleles, 2 heterozygotes.

Illumina Laboratory Services, Illumina
Classification: Benign for Collagen VI-related myopathy. Last evaluated: 2018-01-12. Review status: criteria provided, single submitter. Criteria: ICSL Variant Classification Criteria 13 December 2019. Collection method: clinical testing. Allele origin: germline.
Comment: This variant was observed in the ICSL laboratory as part of a predisposition screen in an ostensibly healthy population. It had not been previously curated by ICSL or reported in the Human Gene Mutation Database (HGMD: prior to June 1st, 2018), and was therefore a candidate for classification through an automated scoring system. Utilizing variant allele frequency, disease prevalence and penetrance estimates, and inheritance mode, an automated score was calculated to assess if this variant is too frequent to cause the disease. Based on the score and internal cut-off values, a variant classified as benign is not then subjected to further curation. The score for this variant resulted in a classification of benign for this disease.